The following is an entry in ClinVar:

NM_021173.5(POLD4):c.174C>T (p.Tyr58=)

Genes: POLD4 (DNA polymerase delta 4, accessory subunit; minus strand), LOC100130987 (uncharacterized LOC100130987; plus strand). Cytogenetic location: 11q13.2.
Variant type: single nucleotide variant.
Coding change: c.174C>T on transcript NM_021173.5 (MANE Select); coding-DNA position 174, C replaced by T.
Protein change: p.Tyr58=; no amino-acid change (tyrosine 58 retained).
Molecular consequence: synonymous variant. On other transcripts: non-coding transcript variant (3).
Genome position (GRCh38, 1-based): chr11:67,353,001, G>A on the plus strand (C>T on the coding strand, the complement: POLD4 is on the minus strand). VCF-style: chr11-67353001-G-A. GRCh37 (hg19) VCF-style: chr11-67120472-G-A.
Other names: c.174C>T, p.Tyr58= (NM_001256870.2).
Identifiers: ClinVar variation 2642013 (VCV002642013.24), dbSNP rs372657387, ClinGen allele CA6136000.

ClinVar aggregate classification (germline): Likely benign (1 of 4 stars; one submission).

Allele frequency attached by ClinVar (database versions not stated): ESP Exome Variant Server 0.00008; gnomAD 0.00019; TOPMed 0.00022; ExAC 0.00030; gnomAD exomes 0.00045.
gnomAD v4.1: 660 of 1,578,320 alleles (0.042%); highest among the groups gnomAD compares: Non-Finnish European, 0.055%; no homozygotes.

Submission:

CeGaT Center for Human Genetics Tuebingen
Classification: Likely benign. Last evaluated: 2023-01-01. Review status: criteria provided, single submitter. Criteria: CeGaT Center For Human Genetics Tuebingen Variant Classification Criteria Version 2. Collection method: clinical testing. Allele origin: germline. Affected: yes. Observed: 1 variant allele.
Comment: POLD4: BP4, BP7